The following is an entry in ClinVar:

NM_000552.5(VWF):c.1945+2dup

Gene: VWF (von Willebrand factor; minus strand). Cytogenetic location: 12p13.31.
Variant type: Duplication.
Coding change: c.1945+2dup on transcript NM_000552.5 (MANE Select); the canonical splice donor site of the intron after coding-DNA position 1945, one base duplicated (T; older notation c.1945+2dupT).
Molecular consequence: splice donor variant.
Genome position (GRCh38, 1-based): chr12:6,056,855, A duplicated on the plus strand (T on the coding strand, the reverse complement: VWF is on the minus strand). VCF-style (leftmost placement, unchanged base first): chr12-6056854-C-CA. GRCh37 (hg19) VCF-style: chr12-6166020-C-CA.
Identifiers: ClinVar variation 4532997 (VCV004532997.1).

ClinVar aggregate classification (germline): Uncertain significance (1 of 4 stars; one submission).

Submission:

Quest Diagnostics Nichols Institute San Juan Capistrano
Classification: Uncertain significance. Last evaluated: 2025-07-29. Review status: criteria provided, single submitter. Criteria: Quest Diagnostics criteria. Collection method: clinical testing. Allele origin: unknown.
Comment: The VWF c.1945+2dup variant has not been reported in individuals with VWF-related conditions in the published literature. This variant also has not been reported in large, multi-ethnic general populations (Genome Aggregation Database). Analysis of this variant using software algorithms for the prediction of the effect of nucleotide changes on splicing yielded predictions that this variant may affect proper VWF mRNA splicing. Based on the available information, we are unable to determine the clinical significance of this variant.